The following is an entry in ClinVar:

ClinVar aggregate classification (germline): Likely pathogenic (1 of 4 stars; one submission).

Conditions:
Renal cysts and diabetes syndrome (RCAD). Also called: Familial hypoplastic, glomerulocystic kidney; MATURITY-ONSET DIABETES OF THE YOUNG, TYPE 5. Identifiers: Orphanet 93111, MedGen C0431693, MONDO:0007669, OMIM 137920.

Submission:

Institute of Human Genetics, FAU Erlangen, Friedrich-Alexander-Universität Erlangen-Nürnberg
Classification: Likely pathogenic for Renal cysts and diabetes syndrome. Last evaluated: 2019-07-06. Review status: criteria provided, single submitter. Criteria: ACMG Guidelines, 2015. Collection method: literature only. Allele origin: germline. Affected: yes.
Comment: This variant and it's classification has been reported by Vasileiou et al. 2019; DOI:10.1101/576918. The variants has previously been reported in PMID:26489029 as "c.1253A>T p.Asn418Ile" with clinical significance Pathogenic. It has been re-classified using InterVar and manual curation as Likely pathogenic based on PM1 PM2 PP1 PP3 PP5.

Literature cited by the submitters: PubMed 26489029; DOI 10.1101/576918.

NM_000458.4(HNF1B):c.1253A>T (p.Asn418Ile)

Gene: HNF1B (HNF1 homeobox B; minus strand). Cytogenetic location: 17q12.
Variant type: single nucleotide variant.
Coding change: c.1253A>T on transcript NM_000458.4 (MANE Select); coding-DNA position 1253, A replaced by T.
Protein change: p.Asn418Ile; replaces asparagine 418 with isoleucine.
Molecular consequence: missense variant.
Genome position (GRCh38, 1-based): chr17:37,705,003, T>A on the plus strand (A>T on the coding strand, the complement: HNF1B is on the minus strand). VCF-style: chr17-37705003-T-A. GRCh37 (hg19) VCF-style: chr17-36065010-T-A.
Other names: c.1175A>T, p.Asn392Ile (NM_001165923.4, NM_001304286.2); short protein forms N418I, N392I.
Identifiers: ClinVar variation 635594 (VCV000635594.1), dbSNP rs2511709863, ClinGen allele CA398757449.